The following is an entry in ClinVar:

NM_000051.4(ATM):c.7008A>G (p.Glu2336=)

Genes: ATM (ATM serine/threonine kinase; plus strand), C11orf65 (chromosome 11 open reading frame 65; minus strand). Cytogenetic location: 11q22.3.
Variant type: single nucleotide variant.
Coding change: c.7008A>G on transcript NM_000051.4 (MANE Select); coding-DNA position 7008, A replaced by G.
Protein change: p.Glu2336=; no amino-acid change (glutamic acid 2336 retained).
Molecular consequence: synonymous variant. On other transcripts: intron variant (2).
Genome position (GRCh38, 1-based): chr11:108,327,677, A>G. VCF-style: chr11-108327677-A-G. GRCh37 (hg19) VCF-style: chr11-108198404-A-G.
Other names: c.7008A>G, p.Glu2336= (NM_001351834.2); c.641-18606T>C (NM_001330368.2); c.*38+7543T>C (NM_001351110.2).
Identifiers: ClinVar variation 1088383 (VCV001088383.13), dbSNP rs2136374637, ClinGen allele CA476676441.

ClinVar aggregate classification (germline): Benign/Likely benign. Review status: criteria provided, multiple submitters, no conflicts (2 of 4 stars). 4 submissions from 4 submitters: Benign (1); Likely benign (3). Last evaluated 2025-09-08.

Conditions:
Familial cancer of breast. Also called: Hereditary breast cancer; hereditary breast carcinoma; BREAST CANCER, FAMILIAL. Identifiers: Orphanet 227535, MedGen C0346153, MONDO:0016419, OMIM 114480. Disease mechanism: loss of function.
Ataxia-telangiectasia syndrome (AT). Also called: Ataxia telangiectasia (A-T); ATAXIA-TELANGIECTASIA, COMPLEMENTATION GROUP A; ATAXIA-TELANGIECTASIA, FRESNO VARIANT; Ataxia-telangiectasia; Ataxia-telangiectasia, complementation group E; LOUIS-BAR SYNDROME. Identifiers: Orphanet 100, MedGen C0004135, MONDO:0008840, OMIM 208900.
Hereditary cancer-predisposing syndrome. Also called: Neoplastic Syndromes, Hereditary; Tumor predisposition; Hereditary Cancer Syndrome; Hereditary neoplastic syndrome. Identifiers: Orphanet 140162, MedGen C0027672, MeSH D009386, MONDO:0015356.

Allele frequency attached by ClinVar (database versions not stated): gnomAD exomes below 0.00001.
gnomAD v4.1: 1 of 1,613,978 alleles (0.000062%); highest among the groups gnomAD compares: Non-Finnish European, 0.000085%; no homozygotes.

Submissions (4):

Color Diagnostics, LLC DBA Color Health
Classification: Likely benign for Hereditary cancer-predisposing syndrome. Last evaluated: 2025-09-08. Review status: criteria provided, single submitter. Criteria: ACMG Guidelines, 2015. Collection method: clinical testing. Allele origin: germline.

Myriad Genetics, Inc.
Classification: Benign for Familial cancer of breast. Last evaluated: 2024-06-12. Review status: criteria provided, single submitter. Criteria: Myriad Autosomal Dominant, Autosomal Recessive and X-Linked Classification Criteria (2023). Collection method: clinical testing. Allele origin: unknown.
Comment: This variant is considered benign. This variant is a silent/synonymous amino acid change and it is not expected to impact splicing.

Labcorp Genetics (formerly Invitae), Labcorp
Classification: Likely benign for Ataxia-telangiectasia syndrome. Last evaluated: 2024-02-19. Review status: criteria provided, single submitter. Criteria: Invitae Variant Classification Sherloc (09022015). Collection method: clinical testing. Allele origin: germline.

Ambry Genetics
Classification: Likely benign for Hereditary cancer-predisposing syndrome. Last evaluated: 2021-09-16. Review status: criteria provided, single submitter. Criteria: Ambry Variant Classification Scheme 2023. Collection method: clinical testing. Allele origin: germline.